The following is an entry in ClinVar:

ClinVar aggregate classification (germline): Uncertain significance. Review status: criteria provided, multiple submitters, no conflicts (2 of 4 stars). 2 submissions from 2 submitters: Uncertain significance (2). Last evaluated 2025-08-14.

Conditions:
Inborn genetic diseases. Identifiers: MedGen C0950123, MeSH D030342.

Allele frequency attached by ClinVar (database versions not stated): gnomAD exomes 0.00001.
gnomAD v4.1: 22 of 1,614,148 alleles (0.0014%); highest among the groups gnomAD compares: Non-Finnish European, 0.0015%; no homozygotes.

Submissions (2):

Ambry Genetics
Classification: Uncertain significance for Inborn genetic diseases. Last evaluated: 2025-08-14. Review status: criteria provided, single submitter. Criteria: Ambry Variant Classification Scheme 2023. Collection method: clinical testing. Allele origin: germline.

Labcorp Genetics (formerly Invitae), Labcorp
Classification: Uncertain significance. Last evaluated: 2022-10-12. Review status: criteria provided, single submitter. Criteria: Invitae Variant Classification Sherloc (09022015). Collection method: clinical testing. Allele origin: germline.
Comment: This variant is present in population databases (no rsID available, gnomAD 0.0009%). This variant has not been reported in the literature in individuals affected with BEST1-related conditions. Algorithms developed to predict the effect of missense changes on protein structure and function (SIFT, PolyPhen-2, Align-GVGD) all suggest that this variant is likely to be tolerated. This sequence change replaces alanine, which is neutral and non-polar, with aspartic acid, which is acidic and polar, at codon 509 of the BEST1 protein (p.Ala509Asp). In summary, the available evidence is currently insufficient to determine the role of this variant in disease. Therefore, it has been classified as a Variant of Uncertain Significance.

NM_004183.4(BEST1):c.1526C>A (p.Ala509Asp)

Gene: BEST1 (bestrophin 1; plus strand). Cytogenetic location: 11q12.3.
Variant type: single nucleotide variant.
Coding change: c.1526C>A on transcript NM_004183.4 (MANE Select); coding-DNA position 1526, C replaced by A.
Protein change: p.Ala509Asp; replaces alanine 509 with aspartic acid.
Molecular consequence: missense variant. On other transcripts: non-coding transcript variant (1).
Genome position (GRCh38, 1-based): chr11:61,962,680, C>A. VCF-style: chr11-61962680-C-A. GRCh37 (hg19) VCF-style: chr11-61730152-C-A.
Other names: c.1346C>A, p.Ala449Asp (NM_001139443.3, NM_001300787.2); c.1265C>A, p.Ala422Asp (NM_001300786.2); c.1208C>A, p.Ala403Asp (NM_001363591.3); c.*421C>A (NM_001363592.2); c.554C>A, p.Ala185Asp (NM_001363593.3); c.1526C>A (NM_004183.3); short protein forms A509D, A185D, A422D, A403D, A449D.
Identifiers: ClinVar variation 2984962 (VCV002984962.4), dbSNP rs1257833189, ClinGen allele CA380849398.
Genomic context (GRCh38, chr11:61,962,680, plus strand): 5'-TTCACAGTGTCACAGGCATAGACACCAAAGACAAAAGCTTAAAGACTGTGAGTTCTGGGG[C>A]CAAGAAAAGTTTTGAATTGCTCTCAGAGAGCGATGGGGCCTTGATGGAGCACCCAGAAGT-3'
Protein context (NP_004174.1, residues 499-519): DKSLKTVSSG[Ala509Asp]KKSFELLSES